The following is an entry in ClinVar:

ClinVar aggregate classification (germline): Benign (1 of 4 stars; one submission).

Allele frequency attached by ClinVar (database versions not stated): 1000 Genomes Project 30x 0.08604; 1000 Genomes Project 0.08726; TOPMed 0.11603; gnomAD 0.12656.
gnomAD v4.1: 19,180 of 152,026 alleles (13%); highest among the groups gnomAD compares: Non-Finnish European, 18%; 1,533 homozygotes.

Submission:

GeneDx
Classification: Benign. Last evaluated: 2018-06-14. Review status: criteria provided, single submitter. Criteria: GeneDx Variant Classification (06012015). Collection method: clinical testing. Allele origin: germline. Affected: yes.
Comment: This variant is considered likely benign or benign based on one or more of the following criteria: it is a conservative change, it occurs at a poorly conserved position in the protein, it is predicted to be benign by multiple in silico algorithms, and/or has population frequency not consistent with disease.

NM_001851.6(COL9A1):c.1342-200T>A

Gene: COL9A1 (collagen type IX alpha 1 chain; minus strand). Cytogenetic location: 6q13.
Variant type: single nucleotide variant.
Coding change: c.1342-200T>A on transcript NM_001851.6 (MANE Select); 200 bases into the intron before coding-DNA position 1342, T replaced by A.
Molecular consequence: intron variant.
Genome position (GRCh38, 1-based): chr6:70,263,497, A>T on the plus strand (T>A on the coding strand, the complement: COL9A1 is on the minus strand). VCF-style: chr6-70263497-A-T. GRCh37 (hg19) VCF-style: chr6-70973200-A-T.
Other names: c.613-200T>A (NM_001377290.1, NM_078485.4, NM_001377289.1).
Identifiers: ClinVar variation 677938 (VCV000677938.1), dbSNP rs10945210, ClinGen allele CA140874905.
Genomic context (GRCh38, chr6:70,263,497, plus strand): 5'-ATGGGTAGTCCAAATTAATTGTAGAACATTCAGAAAATACAGAGAAGCCTACATATAAAA[A>T]GTCACCAAAATACCACCATTTAACTATAAAATACCAGTAACATTTAGATGTTATTCTTTC-3'